The following is an entry in ClinVar:

NM_000088.4(COL1A1):c.3769C>T (p.Arg1257Cys)

Gene: COL1A1 (collagen type I alpha 1 chain; minus strand). Cytogenetic location: 17q21.33.
Variant type: single nucleotide variant.
Coding change: c.3769C>T on transcript NM_000088.4 (MANE Select); coding-DNA position 3769, C replaced by T.
Protein change: p.Arg1257Cys; replaces arginine 1257 with cysteine.
Molecular consequence: missense variant.
Genome position (GRCh38, 1-based): chr17:50,186,685, G>A on the plus strand (C>T on the coding strand, the complement: COL1A1 is on the minus strand). VCF-style: chr17-50186685-G-A. GRCh37 (hg19) VCF-style: chr17-48264046-G-A.
Other names: short protein forms R1257C.
Identifiers: ClinVar variation 1361416 (VCV001361416.13), dbSNP rs368295399, ClinGen allele CA8644357.
Genomic context (GRCh38, chr17:50,186,685, plus strand): 5'-AGGGCAGGCCCTCACCACTCTTCCAGTCAGAGTGGCACATCTTGAGGTCACGGCAGGTGC[G>A]GGCGGGGTTCTTGCGGCTGCCCTCTGGGCTCCGGATGTTCTCGATCTGCTGGCTCAGGCT-3'
Protein context (NP_000079.2, residues 1247-1267): SPEGSRKNPA[Arg1257Cys]TCRDLKMCHS

ClinVar aggregate classification (germline): Conflicting classifications of pathogenicity. Review status: criteria provided, conflicting classifications (1 of 4 stars). 4 submissions from 4 submitters: Uncertain significance (2); Likely benign (2). Last evaluated 2026-02-11.

Conditions:
Cardiovascular phenotype. Identifiers: MedGen CN230736.
Combined osteogenesis imperfecta and Ehlers-Danlos syndrome 1. Also called: OIEDS SYNDROME 1. Identifiers: MedGen C5436842, MONDO:0030854, OMIM 619115.
Osteogenesis imperfecta type I (OI1). Also called: Classic Non-deforming Osteogenesis Imperfecta with Blue Sclerae; Lobstein's Disease; Lobstein disease; OI, TYPE I; OSTEOGENESIS IMPERFECTA TARDA; OSTEOGENESIS IMPERFECTA WITH BLUE SCLERAE. Identifiers: Orphanet 216796, Orphanet 666, MedGen C0023931, MONDO:0008146, OMIM 166200. Disease mechanism: loss of function.

Allele frequency attached by ClinVar (database versions not stated): ExAC 0.00002; gnomAD exomes 0.00002; TOPMed 0.00002; gnomAD 0.00003; ESP Exome Variant Server 0.00008.
gnomAD v4.1: 47 of 1,613,586 alleles (0.0029%); highest among the groups gnomAD compares: Middle Eastern, 0.016%; no homozygotes.

Submissions (4):

Human Genetics Bochum, Ruhr University Bochum
Classification: Uncertain significance for Combined osteogenesis imperfecta and Ehlers-Danlos syndrome 1. Last evaluated: 2026-02-11. Review status: criteria provided, single submitter. Criteria: ACMG Guidelines, 2015. Collection method: clinical testing. Allele origin: germline. Affected: yes.
Comment: ACMG criteria used to clasify this variant: PP3_MOD, PM2_SUP, PP2

Ambry Genetics
Classification: Uncertain significance for Cardiovascular phenotype. Last evaluated: 2026-01-05. Review status: criteria provided, single submitter. Criteria: Ambry Variant Classification Scheme 2023. Collection method: clinical testing. Allele origin: germline.
Comment: The c.3769C>T (p.R1257C) alteration is located in exon 48 (coding exon 48) of the COL1A1 gene. This alteration results from a C to T substitution at nucleotide position 3769, causing the arginine (R) at amino acid position 1257 to be replaced by a cysteine (C). Based on data from gnomAD, the T allele has an overall frequency of 0.002% (6/282080) total alleles studied. The highest observed frequency was 0.004% (1/24916) of African alleles. Based on insufficient or conflicting evidence, the clinical significance of this alteration remains unclear.

Labcorp Genetics (formerly Invitae), Labcorp
Classification: Likely benign for Osteogenesis imperfecta type I. Last evaluated: 2025-07-22. Review status: criteria provided, single submitter. Criteria: Invitae Variant Classification Sherloc (09022015). Collection method: clinical testing. Allele origin: germline.

Blueprint Genetics
Classification: Likely benign. Last evaluated: 2022-01-18. Review status: criteria provided, single submitter. Criteria: ACMG Guidelines, 2015. Collection method: clinical testing. Allele origin: germline.